The following is an entry in ClinVar:

NM_020066.5(FMN2):c.168C>A (p.Gly56=)

Gene: FMN2 (formin 2; plus strand). Cytogenetic location: 1q43.
Variant type: single nucleotide variant.
Coding change: c.168C>A on transcript NM_020066.5 (MANE Select); coding-DNA position 168, C replaced by A.
Protein change: p.Gly56=; no amino-acid change (glycine 56 retained).
Molecular consequence: synonymous variant.
Genome position (GRCh38, 1-based): chr1:240,092,277, C>A. VCF-style: chr1-240092277-C-A. GRCh37 (hg19) VCF-style: chr1-240255577-C-A.
Other names: c.168C>A, p.Gly56= (NM_001305424.2, NM_001348094.2).
Identifiers: ClinVar variation 3030846 (VCV003030846.2), dbSNP rs552568759, ClinGen allele CA1476101.

ClinVar aggregate classification (germline): Likely benign (0 of 4 stars; one submission).

Conditions:
FMN2-related disorder. Also called: FMN2-related condition.

Allele frequency attached by ClinVar (database versions not stated): gnomAD exomes 0.00002; ExAC 0.00007; gnomAD 0.00016; 1000 Genomes Project 0.00020; TOPMed 0.00025.
gnomAD v4.1: 51 of 1,569,232 alleles (0.0032%); highest among the groups gnomAD compares: African/African-American, 0.06%; 1 homozygote.

Submission:

PreventionGenetics, part of Exact Sciences
Classification: Likely benign for FMN2-related condition. Last evaluated: 2021-10-04. Review status: no assertion criteria provided. Collection method: clinical testing. Allele origin: germline.
Comment: This variant is classified as likely benign based on ACMG/AMP sequence variant interpretation guidelines (Richards et al. 2015 PMID: 25741868, with internal and published modifications).